The following is an entry in ClinVar:

NM_001042492.3(NF1):c.5656_5678del (p.Leu1886fs)

Gene: NF1 (neurofibromin 1; plus strand). Cytogenetic location: 17q11.2.
Variant type: Deletion.
Coding change: c.5656_5678del on transcript NM_001042492.3 (MANE Select); coding-DNA positions 5656 to 5678, 23 bases deleted (TTAAAAATCGAGGGCCAGTTACT).
Protein change: p.Leu1886fs; shifts the reading frame from leucine 1886.
Molecular consequence: frameshift variant.
Genome position (GRCh38, 1-based): chr17:31,330,342-31,330,364, TTAAAAATCGAGGGCCAGTTACT deleted; deleting any 23 consecutive bases within chr17:31,330,341-31,330,364 gives the same sequence; the c. name uses the placement nearest the transcript's 3' end. VCF-style (leftmost placement, unchanged base first): chr17-31330340-ATTTAAAAATCGAGGGCCAGTTAC-A. GRCh37 (hg19) VCF-style: chr17-29657358-ATTTAAAAATCGAGGGCCAGTTAC-A.
Other names: c.5593_5615del23, p.Leu1865Argfs (NM_000267.4); short protein forms L1865fs, L1886fs.
Identifiers: ClinVar variation 1448948 (VCV001448948.6), dbSNP rs2151544520, ClinGen allele CA2573153417.
Genomic context (GRCh38, chr17:31,330,340, plus strand): 5'-TTGTGTTTTCTCCTAGGTCAGCTGCCTATAATCTTCTGTGTGCCTTAACTTGTACCTTTA[ATTTAAAAATCGAGGGCCAGTTAC>A]TAGAGACATCAGGTTTATGTATCCCTGCCAACAACACCCTCTTTATTGTCTCTATTAGTA-3'

ClinVar aggregate classification (germline): Pathogenic (1 of 4 stars; one submission).

Conditions:
Neurofibromatosis, type 1 (NF1). Also called: NEUROFIBROMATOSIS, TYPE I, SOMATIC; VON RECKLINGHAUSEN DISEASE; Peripheral type neurofibromatosis; Neurofibromatosis, type I. Identifiers: Orphanet 636, MedGen C0027831, MONDO:0018975, OMIM 162200. Disease mechanism: loss of function.

Submission:

Labcorp Genetics (formerly Invitae), Labcorp
Classification: Pathogenic for Neurofibromatosis, type 1. Last evaluated: 2021-10-21. Review status: criteria provided, single submitter. Criteria: Invitae Variant Classification Sherloc (09022015). Collection method: clinical testing. Allele origin: germline.
Comment: This sequence change creates a premature translational stop signal (p.Leu1865Argfs*19) in the NF1 gene. It is expected to result in an absent or disrupted protein product. Loss-of-function variants in NF1 are known to be pathogenic (PMID: 10712197, 23913538). This variant is not present in population databases (ExAC no frequency). For these reasons, this variant has been classified as Pathogenic. This variant has not been reported in the literature in individuals affected with NF1-related conditions.

Literature cited by the submitters: PubMed 10712197; PubMed 23913538.